The following is an entry in ClinVar:

ClinVar aggregate classification (germline): Uncertain significance. Review status: criteria provided, multiple submitters, no conflicts (2 of 4 stars). 2 submissions from 2 submitters: Uncertain significance (2). Last evaluated 2025-05-26.

Conditions:
Hereditary pheochromocytoma and paraganglioma. Also called: Hereditary pheochromocytoma-paraganglioma; Hereditary Paraganglioma-Pheochromocytoma Syndromes; Hereditary paragangliomas and pheochromocytomas. Identifiers: Orphanet 29072, MedGen C4274332, MONDO:0017366.
Hereditary cancer-predisposing syndrome. Also called: Hereditary neoplastic syndrome; Hereditary Cancer Syndrome; Tumor predisposition; Neoplastic Syndromes, Hereditary. Identifiers: Orphanet 140162, MedGen C0027672, MeSH D009386, MONDO:0015356.

Allele frequency attached by ClinVar (database versions not stated): gnomAD exomes below 0.00001; gnomAD 0.00001.
gnomAD v4.1: 5 of 1,609,788 alleles (0.00031%); highest among the groups gnomAD compares: Non-Finnish European, 0.00042%; no homozygotes.

Submissions (2):

Ambry Genetics
Classification: Uncertain significance for Hereditary cancer-predisposing syndrome. Last evaluated: 2025-05-26. Review status: criteria provided, single submitter. Criteria: Ambry Variant Classification Scheme 2023. Collection method: clinical testing. Allele origin: germline.
Comment: The p.Q64H variant (also known as c.192G>C), located in coding exon 1 of the TMEM127 gene, results from a G to C substitution at nucleotide position 192. The glutamine at codon 64 is replaced by histidine, an amino acid with highly similar properties. This amino acid position is conserved. In addition, the in silico prediction for this alteration is inconclusive. Since supporting evidence is limited at this time, the clinical significance of this alteration remains unclear.

Labcorp Genetics (formerly Invitae), Labcorp
Classification: Uncertain significance for Hereditary pheochromocytoma and paraganglioma. Last evaluated: 2023-12-13. Review status: criteria provided, single submitter. Criteria: Invitae Variant Classification Sherloc (09022015). Collection method: clinical testing. Allele origin: germline.
Comment: This sequence change replaces glutamine, which is neutral and polar, with histidine, which is basic and polar, at codon 64 of the TMEM127 protein (p.Gln64His). This variant is not present in population databases (gnomAD no frequency). This variant has not been reported in the literature in individuals affected with TMEM127-related conditions. ClinVar contains an entry for this variant (Variation ID: 1008870). An algorithm developed to predict the effect of missense changes on protein structure and function (PolyPhen-2) suggests that this variant is likely to be tolerated. In summary, the available evidence is currently insufficient to determine the role of this variant in disease. Therefore, it has been classified as a Variant of Uncertain Significance.

NM_017849.4(TMEM127):c.192G>C (p.Gln64His)

Gene: TMEM127 (transmembrane protein 127; minus strand). Cytogenetic location: 2q11.2.
Variant type: single nucleotide variant.
Coding change: c.192G>C on transcript NM_017849.4 (MANE Select); coding-DNA position 192, G replaced by C.
Protein change: p.Gln64His; replaces glutamine 64 with histidine.
Molecular consequence: missense variant.
Genome position (GRCh38, 1-based): chr2:96,265,190, C>G on the plus strand (G>C on the coding strand, the complement: TMEM127 is on the minus strand). VCF-style: chr2-96265190-C-G. GRCh37 (hg19) VCF-style: chr2-96930928-C-G.
Other names: c.192G>C, p.Gln64His (NM_001193304.3); c.192G>C (NM_017849.3); short protein forms Q64H.
Identifiers: ClinVar variation 1008870 (VCV001008870.11), dbSNP rs1684389208, ClinGen allele CA347655928.
Genomic context (GRCh38, chr2:96,265,190, plus strand): 5'-ACCCTCACCTTTCAGCAGGTCCGGGTGCACATAGCCCAACACGTCGGAGACCCCCAGCTC[C>G]TGGCGCGAACAGGTGCCTCCGTGGATGTGCAACCAGGCGGGCTCGGCGAGGGCAGTGCAC-3'
Protein context (NP_060319.1, residues 54-74): LHIHGGTCSR[Gln64His]ELGVSDVLGY